The following is an entry in ClinVar:

ClinVar aggregate classification (germline): Benign/Likely benign. Review status: criteria provided, multiple submitters, no conflicts (2 of 4 stars). 9 submissions from 9 submitters: Benign (8); Likely benign (1). Last evaluated 2026-02-04.

Conditions:
Fanconi anemia (FA). Also called: Fanconi's anemia. Identifiers: Orphanet 84, MedGen C0015625, MeSH D005199, MONDO:0019391.
Fanconi anemia complementation group I (FANCI). Also called: FANCI-Related Fanconi Anemia. Identifiers: Orphanet 84, MedGen C1836861, MONDO:0012186, OMIM 609053.

Allele frequency attached by ClinVar (database versions not stated): gnomAD exomes 0.39599 and 0.41199; ExAC 0.41731; 1000 Genomes Project 0.43930; 1000 Genomes Project 30x 0.44425; gnomAD 0.46206 and 0.46880; TOPMed 0.46429; ESP Exome Variant Server 0.46800.
gnomAD v4.1: 649,286 of 1,612,664 alleles (40%); highest among the groups gnomAD compares: African/African-American, 63%; 133,753 homozygotes.

Submissions (9):

Labcorp Genetics (formerly Invitae), Labcorp
Classification: Benign for Fanconi anemia. Last evaluated: 2026-02-04. Review status: criteria provided, single submitter. Criteria: Invitae Variant Classification Sherloc (09022015). Collection method: clinical testing. Allele origin: germline.

ARUP Laboratories, Molecular Genetics and Genomics, ARUP Laboratories
Classification: Benign for Fanconi anemia complementation group I. Last evaluated: 2025-07-28. Review status: criteria provided, single submitter. Criteria: ARUP Molecular Germline Variant Investigation Process 2024. Collection method: clinical testing. Allele origin: germline.

Blueprint Genetics
Classification: Likely benign. Last evaluated: 2024-11-27. Review status: criteria provided, single submitter. Criteria: ACMG Guidelines, 2015. Collection method: clinical testing. Allele origin: germline.

KCCC/NGS Laboratory, Kuwait Cancer Control Center
Classification: Benign for Fanconi anemia complementation group I. Last evaluated: 2023-07-07. Review status: criteria provided, single submitter. Criteria: ACMG Guidelines, 2015. Collection method: clinical testing. Allele origin: germline. Affected: yes.

Genome-Nilou Lab
Classification: Benign for Fanconi anemia complementation group I. Last evaluated: 2021-08-10. Review status: criteria provided, single submitter. Criteria: ACMG Guidelines, 2015. Collection method: clinical testing. Allele origin: germline. Affected: no.

GeneDx
Classification: Benign. Last evaluated: 2018-07-09. Review status: criteria provided, single submitter. Criteria: GeneDx Variant Classification Process June 2021. Collection method: clinical testing. Allele origin: germline. Affected: yes.

Illumina Laboratory Services, Illumina
Classification: Benign for Fanconi anemia complementation group I. Last evaluated: 2018-01-13. Review status: criteria provided, single submitter. Criteria: ICSL Variant Classification Criteria 13 December 2019. Collection method: clinical testing. Allele origin: germline.
Comment: This variant was observed in the ICSL laboratory as part of a predisposition screen in an ostensibly healthy population. It had not been previously curated by ICSL or reported in the Human Gene Mutation Database (HGMD: prior to June 1st, 2018), and was therefore a candidate for classification through an automated scoring system. Utilizing variant allele frequency, disease prevalence and penetrance estimates, and inheritance mode, an automated score was calculated to assess if this variant is too frequent to cause the disease. Based on the score and internal cut-off values, a variant classified as benign is not then subjected to further curation. The score for this variant resulted in a classification of benign for this disease.

Breakthrough Genomics
Classification: Benign. Review status: criteria provided, single submitter. Criteria: ACMG Guidelines, 2015. Collection method: not provided. Allele origin: germline. Inheritance: Autosomal recessive inheritance. Affected: yes.

PreventionGenetics, part of Exact Sciences
Classification: Benign. Review status: criteria provided, single submitter. Criteria: ACMG Guidelines, 2015. Collection method: clinical testing. Allele origin: germline.

NM_001113378.2(FANCI):c.1698+15C>T

Gene: FANCI (FA complementation group I; plus strand). Cytogenetic location: 15q26.1.
Variant type: single nucleotide variant.
Coding change: c.1698+15C>T on transcript NM_001113378.2 (MANE Select); 15 bases into the intron after coding-DNA position 1698, C replaced by T.
Molecular consequence: intron variant.
Genome position (GRCh38, 1-based): chr15:89,283,265, C>T. VCF-style: chr15-89283265-C-T. GRCh37 (hg19) VCF-style: chr15-89826496-C-T.
Other names: c.1698+15C>T (NM_018193.3, NM_001376911.1); c.1419+15C>T (NM_001376910.1).
Identifiers: ClinVar variation 257481 (VCV000257481.21), dbSNP rs9806604, ClinGen allele CA7723101.